The following is an entry in ClinVar:

NM_144672.4(OTOA):c.731A>T (p.Asn244Ile)

Gene: OTOA (otoancorin). Cytogenetic location: 16p12.2.
Variant type: single nucleotide variant.
Coding change: c.731A>T on transcript NM_144672.4 (MANE Select); coding-DNA position 731, A replaced by T.
Protein change: p.Asn244Ile; replaces asparagine 244 with isoleucine.
Molecular consequence: missense variant.
Genome position (GRCh38, 1-based): chr16:21,691,679, A>T. VCF-style: chr16-21691679-A-T. GRCh37 (hg19) VCF-style: chr16-21703000-A-T.
Other names: c.494A>T, p.Asn165Ile (NM_001161683.2); short protein forms N165I, N244I.
Identifiers: ClinVar variation 2502006 (VCV002502006.1), dbSNP rs945820630, ClinGen allele CA395057171.

ClinVar aggregate classification (germline): Uncertain significance (1 of 4 stars; one submission).

Submission:

GeneDx
Classification: Uncertain significance. Last evaluated: 2022-11-09. Review status: criteria provided, single submitter. Criteria: GeneDx Variant Classification Process June 2021. Collection method: clinical testing. Allele origin: germline. Affected: yes.
Comment: Not observed at significant frequency in large population cohorts (gnomAD); In silico analysis supports that this missense variant has a deleterious effect on protein structure/function; Has not been previously published as pathogenic or benign to our knowledge